The following is an entry in ClinVar:

ClinVar aggregate classification (germline): Conflicting classifications of pathogenicity. Review status: criteria provided, conflicting classifications (1 of 4 stars). 6 submissions from 6 submitters: Uncertain significance (5); Benign (1). Last evaluated 2026-02-01.

Conditions:
Lynch syndrome. Identifiers: Orphanet 144, MedGen C4552100, MONDO:0005835. Disease mechanism: loss of function.
Hereditary cancer-predisposing syndrome. Also called: Tumor predisposition; Hereditary Cancer Syndrome; Hereditary neoplastic syndrome; Neoplastic Syndromes, Hereditary. Identifiers: Orphanet 140162, MedGen C0027672, MeSH D009386, MONDO:0015356.
Hereditary nonpolyposis colorectal neoplasms. Identifiers: MedGen C0009405, MeSH D003123.

gnomAD v4.1: 6 of 1,614,190 alleles (0.00037%); highest among the groups gnomAD compares: Non-Finnish European, 0.00051%; no homozygotes.

Submissions (6):

Labcorp Genetics (formerly Invitae), Labcorp
Classification: Benign for Hereditary nonpolyposis colorectal neoplasms. Last evaluated: 2026-02-01. Review status: criteria provided, single submitter. Criteria: Invitae Variant Classification Sherloc (09022015). Collection method: clinical testing. Allele origin: germline.

All of Us Research Program, National Institutes of Health
Classification: Uncertain significance for Lynch syndrome. Last evaluated: 2024-07-29. Review status: criteria provided, single submitter. Criteria: ACMG Guidelines, 2015. Collection method: clinical testing. Allele origin: germline. Inheritance: Autosomal dominant inheritance. Observed: 2 variant alleles, 2 heterozygotes.
Comment: This missense variant replaces valine with glycine at codon 878 of the MSH6 protein. Computational prediction is inconclusive regarding the impact of this variant on protein structure and function (internally defined REVEL score threshold 0.5 < inconclusive < 0.7, PMID: 27666373). To our knowledge, functional studies have not been reported for this variant. This variant has not been reported in individuals affected with MSH6-related disorders in the literature. This variant has not been identified in the general population by the Genome Aggregation Database (gnomAD). The available evidence is insufficient to determine the role of this variant in disease conclusively. Therefore, this variant is classified as a Variant of Uncertain Significance.

This study involves interpretation of variants in research participants for the purpose of population health screening. Participant phenotype was not available at the time of variant classification. Additional details can be found in publication PMID: 35346344, PMCID: PMC8962531

Color Diagnostics, LLC DBA Color Health
Classification: Uncertain significance for Hereditary cancer-predisposing syndrome. Last evaluated: 2024-07-02. Review status: criteria provided, single submitter. Criteria: ACMG Guidelines, 2015. Collection method: clinical testing. Allele origin: germline.
Comment: This missense variant replaces valine with glycine at codon 878 of the MSH6 protein. Computational prediction is inconclusive regarding the impact of this variant on protein structure and function (internally defined REVEL score threshold 0.5 < inconclusive < 0.7, PMID: 27666373). To our knowledge, functional studies have not been reported for this variant. This variant has not been reported in individuals affected with MSH6-related disorders in the literature. This variant has not been identified in the general population by the Genome Aggregation Database (gnomAD). The available evidence is insufficient to determine the role of this variant in disease conclusively. Therefore, this variant is classified as a Variant of Uncertain Significance.

Ambry Genetics
Classification: Uncertain significance for Hereditary cancer-predisposing syndrome. Last evaluated: 2024-04-19. Review status: criteria provided, single submitter. Criteria: Ambry Variant Classification Scheme 2023. Collection method: clinical testing. Allele origin: germline.
Comment: The p.V878G variant (also known as c.2633T>G), located in coding exon 4 of the MSH6 gene, results from a T to G substitution at nucleotide position 2633. The valine at codon 878 is replaced by glycine, an amino acid with dissimilar properties. This amino acid position is not well conserved in available vertebrate species. In addition, the in silico prediction for this alteration is inconclusive. Since supporting evidence is limited at this time, the clinical significance of this alteration remains unclear.

GeneDx
Classification: Uncertain significance. Last evaluated: 2021-11-15. Review status: criteria provided, single submitter. Criteria: GeneDx Variant Classification Process June 2021. Collection method: clinical testing. Allele origin: germline. Affected: yes.
Comment: Not observed at significant frequency in large population cohorts (Lek et al., 2016); In silico analysis supports that this missense variant has a deleterious effect on protein structure/function; Has not been previously published as pathogenic or benign to our knowledge; This variant is associated with the following publications: (PMID: 26333163, 17531815, 21120944)

Women's Health and Genetics/Laboratory Corporation of America, LabCorp
Classification: Uncertain significance. Last evaluated: 2019-02-08. Review status: criteria provided, single submitter. Criteria: LabCorp Variant Classification Summary - May 2015. Collection method: clinical testing. Allele origin: germline.
Comment: Variant summary: MSH6 c.2633T>G (p.Val878Gly) results in a non-conservative amino acid change located in the DNA mismatch repair protein MutS, core domain of the encoded protein sequence. Three of five in-silico tools predict a benign effect of the variant on protein function. The variant was absent in 276496 control chromosomes (gnomAD). The available data on variant occurrences in the general population are insufficient to allow any conclusion about variant significance. To our knowledge, no occurrence of c.2633T>G in individuals affected with Lynch Syndrome and no experimental evidence demonstrating its impact on protein function have been reported. Two ClinVar submissions from clinical diagnostic laboratories (evaluation after 2014) cite the variant as uncertain significance. Based on the evidence outlined above, the variant was classified as uncertain significance.

NM_000179.3(MSH6):c.2633T>G (p.Val878Gly)

Gene: MSH6 (mutS homolog 6; plus strand). Cytogenetic location: 2p16.3.
Variant type: single nucleotide variant.
Coding change: c.2633T>G on transcript NM_000179.3 (MANE Select); coding-DNA position 2633, T replaced by G.
Protein change: p.Val878Gly; replaces valine 878 with glycine.
Molecular consequence: missense variant.
Genome position (GRCh38, 1-based): chr2:47,800,616, T>G. VCF-style: chr2-47800616-T-G. GRCh37 (hg19) VCF-style: chr2-48027755-T-G.
Other names: c.2243T>G, p.Val748Gly (NM_001281492.2); c.1727T>G, p.Val576Gly (NM_001281493.2, NM_001281494.2); short protein forms V878G, V748G, V576G.
Identifiers: ClinVar variation 89304 (VCV000089304.22), dbSNP rs2020912, ClinGen allele CA010648.